The following is an entry in ClinVar:

ClinVar aggregate classification (germline): Uncertain significance (1 of 4 stars; one submission).

Allele frequency attached by ClinVar (database versions not stated): gnomAD 0.00001; ExAC 0.00002; TOPMed 0.00002.
gnomAD v4.1: 20 of 1,613,724 alleles (0.0012%); highest among the groups gnomAD compares: Admixed American, 0.0033%; no homozygotes.

Submission:

Labcorp Genetics (formerly Invitae), Labcorp
Classification: Uncertain significance. Last evaluated: 2022-06-05. Review status: criteria provided, single submitter. Criteria: Invitae Variant Classification Sherloc (09022015). Collection method: clinical testing. Allele origin: germline.
Comment: This sequence change affects codon 609 of the FCHO1 mRNA. It is a 'silent' change, meaning that it does not change the encoded amino acid sequence of the FCHO1 protein. It affects a nucleotide within the consensus splice site. This variant is present in population databases (rs778573967, gnomAD 0.006%). This variant has not been reported in the literature in individuals affected with FCHO1-related conditions. Algorithms developed to predict the effect of sequence changes on RNA splicing suggest that this variant is not likely to affect RNA splicing. In summary, the available evidence is currently insufficient to determine the role of this variant in disease. Therefore, it has been classified as a Variant of Uncertain Significance.

NM_015122.3(FCHO1):c.1827C>T (p.His609=)

Gene: FCHO1 (FCH and mu domain containing endocytic adaptor 1; plus strand). Cytogenetic location: 19p13.11.
Variant type: single nucleotide variant.
Coding change: c.1827C>T on transcript NM_015122.3 (MANE Select); coding-DNA position 1827, C replaced by T.
Protein change: p.His609=; no amino-acid change (histidine 609 retained).
Molecular consequence: synonymous variant. On other transcripts: non-coding transcript variant (36).
Genome position (GRCh38, 1-based): chr19:17,781,538, C>T. VCF-style: chr19-17781538-C-T. GRCh37 (hg19) VCF-style: chr19-17892347-C-T.
Other names: c.1827C>T, p.His609= (NM_001161357.2, NM_001161358.2, NM_001384370.1 and 13 more transcripts); c.1677C>T, p.His559= (NM_001161359.2, NM_001384384.1, NM_001384385.1 and 1 more transcripts); c.1788C>T, p.His596= (NM_001384388.1, NM_001384389.1, NM_001384405.1); c.1752C>T, p.His584= (NM_001384390.1); c.1710C>T, p.His570= (NM_001384392.1, NM_001384393.1, NM_001384394.1 and 1 more transcripts); c.1551C>T, p.His517= (NM_001384396.1, NM_001384397.1, NM_001384398.1 and 5 more transcripts); c.1506C>T, p.His502= (NM_001384403.1); c.1401C>T, p.His467= (NM_001384406.1); and 1 more.
Identifiers: ClinVar variation 1987802 (VCV001987802.1), dbSNP rs778573967, ClinGen allele CA9300639.